The following is an entry in ClinVar:

NM_001843.4(CNTN1):c.2524-171C>G

Gene: CNTN1 (contactin 1; plus strand). Cytogenetic location: 12q12.
Variant type: single nucleotide variant.
Coding change: c.2524-171C>G on transcript NM_001843.4 (MANE Select); 171 bases into the intron before coding-DNA position 2524, C replaced by G.
Molecular consequence: intron variant.
Genome position (GRCh38, 1-based): chr12:41,024,979, C>G. VCF-style: chr12-41024979-C-G. GRCh37 (hg19) VCF-style: chr12-41418781-C-G.
Other names: c.2491-171C>G (NM_175038.2).
Identifiers: ClinVar variation 679160 (VCV000679160.1), dbSNP rs11614303, ClinGen allele CA13723279.

ClinVar aggregate classification (germline): Benign (1 of 4 stars; one submission).

Allele frequency attached by ClinVar (database versions not stated): gnomAD 0.23444; TOPMed 0.23304; 1000 Genomes Project 30x 0.21924; 1000 Genomes Project 0.22105.
gnomAD v4.1: 35,929 of 151,864 alleles (24%); highest among the groups gnomAD compares: Middle Eastern, 29%; 4,352 homozygotes.

Submission:

GeneDx
Classification: Benign. Last evaluated: 2018-06-14. Review status: criteria provided, single submitter. Criteria: GeneDx Variant Classification (06012015). Collection method: clinical testing. Allele origin: germline. Affected: yes.
Comment: This variant is considered likely benign or benign based on one or more of the following criteria: it is a conservative change, it occurs at a poorly conserved position in the protein, it is predicted to be benign by multiple in silico algorithms, and/or has population frequency not consistent with disease.